The following is an entry in ClinVar:

NM_022437.3(ABCG8):c.697A>G (p.Ile233Val)

Gene: ABCG8 (ATP binding cassette subfamily G member 8; plus strand). Cytogenetic location: 2p21.
Variant type: single nucleotide variant.
Coding change: c.697A>G on transcript NM_022437.3 (MANE Select); coding-DNA position 697, A replaced by G.
Protein change: p.Ile233Val; replaces isoleucine 233 with valine.
Molecular consequence: missense variant.
Genome position (GRCh38, 1-based): chr2:43,852,601, A>G. VCF-style: chr2-43852601-A-G. GRCh37 (hg19) VCF-style: chr2-44079740-A-G.
Other names: c.697A>G, p.Ile233Val (NM_001357321.2); short protein forms I233V.
Identifiers: ClinVar variation 1756416 (VCV001756416.2), dbSNP rs561767635, ClinGen allele CA1637150.

ClinVar aggregate classification (germline): Uncertain significance (1 of 4 stars; one submission).

Conditions:
Cardiovascular phenotype. Identifiers: MedGen CN230736.

Allele frequency attached by ClinVar (database versions not stated): gnomAD exomes below 0.00001; ExAC 0.00001; gnomAD 0.00003; TOPMed 0.00003; 1000 Genomes Project 0.00020; 1000 Genomes Project 30x 0.00031.
gnomAD v4.1: 6 of 1,614,082 alleles (0.00037%); highest among the groups gnomAD compares: African/African-American, 0.0053%; no homozygotes.

Submission:

Ambry Genetics
Classification: Uncertain significance for Cardiovascular phenotype. Last evaluated: 2024-01-20. Review status: criteria provided, single submitter. Criteria: Ambry Variant Classification Scheme 2023. Collection method: clinical testing. Allele origin: germline.
Comment: The p.I233V variant (also known as c.697A>G), located in coding exon 6 of the ABCG8 gene, results from an A to G substitution at nucleotide position 697. The isoleucine at codon 233 is replaced by valine, an amino acid with highly similar properties. This amino acid position is conserved. In addition, this alteration is predicted to be tolerated by in silico analysis. Since supporting evidence is limited at this time, the clinical significance of this alteration remains unclear.